The following is an entry in ClinVar:

ClinVar aggregate classification (germline): Uncertain significance (1 of 4 stars; one submission).

Submission:

Ambry Genetics
Classification: Uncertain significance. Last evaluated: 2019-09-09. Review status: criteria provided, single submitter. Criteria: Ambry Variant Classification Scheme 2023. Collection method: clinical testing. Allele origin: germline.
Comment: The p.R8L variant (also known as c.23G>T), located in coding exon 1 of the GALNT12 gene, results from a G to T substitution at nucleotide position 23. The arginine at codon 8 is replaced by leucine, an amino acid with dissimilar properties. This amino acid position is well conserved in available vertebrate species. In addition, this alteration is predicted to be tolerated by in silico analysis. Since supporting evidence is limited at this time, the clinical significance of this alteration remains unclear.

NM_024642.5(GALNT12):c.23G>T (p.Arg8Leu)

Gene: GALNT12 (polypeptide N-acetylgalactosaminyltransferase 12; plus strand). Cytogenetic location: 9q22.33.
Variant type: single nucleotide variant.
Coding change: c.23G>T on transcript NM_024642.5 (MANE Select); coding-DNA position 23, G replaced by T.
Protein change: p.Arg8Leu; replaces arginine 8 with leucine.
Molecular consequence: missense variant.
Genome position (GRCh38, 1-based): chr9:98,807,721, G>T. VCF-style: chr9-98807721-G-T. GRCh37 (hg19) VCF-style: chr9-101570003-G-T.
Other names: short protein forms R8L.
Identifiers: ClinVar variation 1790719 (VCV001790719.2), dbSNP rs1313526292, ClinGen allele CA374222039.